The following is an entry in ClinVar:

NM_004448.4(ERBB2):c.605C>T (p.Ser202Phe)

Gene: ERBB2 (erb-b2 receptor tyrosine kinase 2; plus strand). Cytogenetic location: 17q12.
Variant type: single nucleotide variant.
Coding change: c.605C>T on transcript NM_004448.4 (MANE Select); coding-DNA position 605, C replaced by T.
Protein change: p.Ser202Phe; replaces serine 202 with phenylalanine.
Molecular consequence: missense variant. On other transcripts: non-coding transcript variant (1), intron variant (2).
Genome position (GRCh38, 1-based): chr17:39,709,843, C>T. VCF-style: chr17-39709843-C-T. GRCh37 (hg19) VCF-style: chr17-37866096-C-T.
Other names: c.515C>T, p.Ser172Phe (NM_001005862.3, NM_001289938.2, NM_001382782.1 and 1 more transcripts); c.560C>T, p.Ser187Phe (NM_001289936.2); c.605C>T, p.Ser202Phe (NM_001289937.2, NM_001382784.1, NM_001382785.1 and 17 more transcripts); c.680C>T, p.Ser227Phe (NM_001382787.1); c.596C>T, p.Ser199Phe (NM_001382791.1); c.440-15C>T (NM_001382799.1); c.74-2085C>T (NM_001382804.1); short protein forms S187F, S199F, S172F, S227F, S202F.
Identifiers: ClinVar variation 2343822 (VCV002343822.3), dbSNP rs1426154971, ClinGen allele CA399276523.

ClinVar aggregate classification (germline): Uncertain significance. Review status: criteria provided, multiple submitters, no conflicts (2 of 4 stars). 2 submissions from 2 submitters: Uncertain significance (2). Last evaluated 2025-06-04.

Allele frequency attached by ClinVar (database versions not stated): TOPMed below 0.00001; gnomAD 0.00001.
gnomAD v4.1: 10 of 1,613,388 alleles (0.00062%); highest among the groups gnomAD compares: Admixed American, 0.005%; no homozygotes.

Submissions (2):

Labcorp Genetics (formerly Invitae), Labcorp
Classification: Uncertain significance. Last evaluated: 2025-06-04. Review status: criteria provided, single submitter. Criteria: Invitae Variant Classification Sherloc (09022015). Collection method: clinical testing. Allele origin: germline.
Comment: This sequence change replaces serine, which is neutral and polar, with phenylalanine, which is neutral and non-polar, at codon 202 of the ERBB2 protein (p.Ser202Phe). This variant is present in population databases (no rsID available, gnomAD 0.006%). This variant has not been reported in the literature in individuals affected with ERBB2-related conditions. ClinVar contains an entry for this variant (Variation ID: 2343822). Invitae Evidence Modeling of protein sequence and biophysical properties (such as structural, functional, and spatial information, amino acid conservation, physicochemical variation, residue mobility, and thermodynamic stability) indicates that this missense variant is not expected to disrupt ERBB2 protein function with a negative predictive value of 80%. In summary, the available evidence is currently insufficient to determine the role of this variant in disease. Therefore, it has been classified as a Variant of Uncertain Significance.

Ambry Genetics
Classification: Uncertain significance. Last evaluated: 2021-10-29. Review status: criteria provided, single submitter. Criteria: Ambry Variant Classification Scheme 2023. Collection method: clinical testing. Allele origin: germline.